The following is an entry in ClinVar:

ClinVar aggregate classification (germline): Uncertain significance (1 of 4 stars; one submission).

Conditions:
Autosomal dominant epilepsy with auditory features. Identifiers: Orphanet 101046, MedGen C1838062, MONDO:0010898.

Allele frequency attached by ClinVar (database versions not stated): gnomAD exomes below 0.00001.
gnomAD v4.1: 2 of 1,614,202 alleles (0.00012%); highest among the groups gnomAD compares: Non-Finnish European, 0.00017%; no homozygotes.

Submission:

Labcorp Genetics (formerly Invitae), Labcorp
Classification: Uncertain significance for Autosomal dominant epilepsy with auditory features. Last evaluated: 2021-01-12. Review status: criteria provided, single submitter. Criteria: Invitae Variant Classification Sherloc (09022015). Collection method: clinical testing. Allele origin: germline.
Comment: In summary, the available evidence is currently insufficient to determine the role of this variant in disease. Therefore, it has been classified as a Variant of Uncertain Significance. Algorithms developed to predict the effect of missense changes on protein structure and function (SIFT, PolyPhen-2, Align-GVGD) all suggest that this variant is likely to be tolerated, but these predictions have not been confirmed by published functional studies and their clinical significance is uncertain. This variant has not been reported in the literature in individuals with LGI1-related conditions. This variant is not present in population databases (ExAC no frequency). This sequence change replaces isoleucine with valine at codon 19 of the LGI1 protein (p.Ile19Val). The isoleucine residue is moderately conserved and there is a small physicochemical difference between isoleucine and valine.

NM_005097.4(LGI1):c.55A>G (p.Ile19Val)

Gene: LGI1 (leucine rich glioma inactivated 1; plus strand). Cytogenetic location: 10q23.33.
Variant type: single nucleotide variant.
Coding change: c.55A>G on transcript NM_005097.4 (MANE Select); coding-DNA position 55, A replaced by G.
Protein change: p.Ile19Val; replaces isoleucine 19 with valine.
Molecular consequence: missense variant. On other transcripts: non-coding transcript variant (1).
Genome position (GRCh38, 1-based): chr10:93,758,199, A>G. VCF-style: chr10-93758199-A-G. GRCh37 (hg19) VCF-style: chr10-95517956-A-G.
Other names: c.55A>G, p.Ile19Val (NM_001308275.2, NM_001308276.2); short protein forms I19V.
Identifiers: ClinVar variation 935676 (VCV000935676.11), dbSNP rs2059584229, ClinGen allele CA377631161.
Genomic context (GRCh38, chr10:93,758,199, plus strand): 5'-GACTGCATGGAATCAGAAAGAAGCAAAAGGATGGGAAATGCCTGCATTCCCCTGAAAAGA[A>G]TTGCTTATTTCCTATGTCTCTTATCTGCGCTTTTGCTGACTGAGGGGAAGAAACCAGCGA-3'
Protein context (NP_005088.1, residues 9-29): MGNACIPLKR[Ile19Val]AYFLCLLSAL